The following is an entry in ClinVar:

NM_000435.3(NOTCH3):c.5841G>A (p.Ala1947=)

Gene: NOTCH3 (notch receptor 3; minus strand). Cytogenetic location: 19p13.12.
Variant type: single nucleotide variant.
Coding change: c.5841G>A on transcript NM_000435.3 (MANE Select); coding-DNA position 5841, G replaced by A.
Protein change: p.Ala1947=; no amino-acid change (alanine 1947 retained).
Molecular consequence: synonymous variant.
Genome position (GRCh38, 1-based): chr19:15,162,537, C>T on the plus strand (G>A on the coding strand, the complement: NOTCH3 is on the minus strand). VCF-style: chr19-15162537-C-T. GRCh37 (hg19) VCF-style: chr19-15273348-C-T.
Other names: p.Ala1947=.
Identifiers: ClinVar variation 4684317 (VCV004684317.2).

ClinVar aggregate classification (germline): Likely benign. Review status: criteria provided, multiple submitters, no conflicts (2 of 4 stars). 2 submissions from 2 submitters: Likely benign (2). Last evaluated 2024-10-14.

gnomAD v4.1: 12 of 1,613,798 alleles (0.00074%); highest among the groups gnomAD compares: Admixed American, 0.0017%; no homozygotes.

Submissions (2):

Mayo Clinic Laboratories, Mayo Clinic
Classification: Likely benign. Last evaluated: 2024-10-14. Review status: criteria provided, single submitter. Criteria: ACMG Guidelines, 2015. Collection method: clinical testing. Allele origin: germline. Observed: 1 variant allele.
Comment: BS2, BP4, BP7

Blueprint Genetics
Classification: Likely benign. Last evaluated: 2024-08-20. Review status: criteria provided, single submitter. Criteria: ACMG Guidelines, 2015. Collection method: clinical testing. Allele origin: germline.